The following is an entry in ClinVar:

NM_001264.5(CDSN):c.484C>T (p.Gln162Ter)

Genes: CDSN (corneodesmosin; minus strand), PSORS1C1 (psoriasis susceptibility 1 candidate 1; plus strand). Cytogenetic location: 6p21.33.
Variant type: single nucleotide variant.
Coding change: c.484C>T on transcript NM_001264.5 (MANE Select); coding-DNA position 484, C replaced by T.
Protein change: p.Gln162Ter; replaces glutamine 162 with a stop codon.
Molecular consequence: nonsense. On other transcripts: intron variant (1).
Genome position (GRCh38, 1-based): chr6:31,117,131, G>A on the plus strand (C>T on the coding strand, the complement: CDSN is on the minus strand). VCF-style: chr6-31117131-G-A. GRCh37 (hg19) VCF-style: chr6-31084908-G-A.
Other names: c.-229+2240G>A (NM_014068.3); short protein forms Q162*.
Identifiers: ClinVar variation 2444035 (VCV002444035.1), dbSNP rs2481089559, ClinGen allele CA363316385.

ClinVar aggregate classification (germline): Likely pathogenic (1 of 4 stars; one submission).

Conditions:
Peeling skin syndrome 1 (PSS1). Also called: KERATOLYSIS EXFOLIATIVA CONGENITA; SKIN PEELING, FAMILIAL CONTINUOUS GENERALIZED; Peeling skin syndrome type B. Identifiers: Orphanet 263543, Orphanet 263553, MedGen C5679693, MONDO:0024548, OMIM 270300.

Allele frequency attached by ClinVar (database versions not stated): gnomAD exomes below 0.00001.

Submission:

3billion
Classification: Likely pathogenic for Peeling skin syndrome 1. Last evaluated: 2023-02-23. Review status: criteria provided, single submitter. Criteria: ACMG Guidelines, 2015. Collection method: clinical testing. Allele origin: unknown. Affected: yes.
Comment: The variant is not observed in the gnomAD v2.1.1 dataset. This variant was predicted to result in a loss or disruption of normal protein function through protein truncation. The predicted truncated protein may be shortened by more than 10%. Therefore, this variant is classified as Likely pathogenic according to the recommendation of ACMG/AMP guideline.